The following is an entry in ClinVar:

NM_000260.4(MYO7A):c.395C>T (p.Pro132Leu)

Gene: MYO7A (myosin VIIA; plus strand). Cytogenetic location: 11q13.5.
Variant type: single nucleotide variant.
Coding change: c.395C>T on transcript NM_000260.4 (MANE Select); coding-DNA position 395, C replaced by T.
Protein change: p.Pro132Leu; replaces proline 132 with leucine.
Molecular consequence: missense variant.
Genome position (GRCh38, 1-based): chr11:77,156,016, C>T. VCF-style: chr11-77156016-C-T. GRCh37 (hg19) VCF-style: chr11-76867062-C-T.
Other names: c.395C>T, p.Pro132Leu (NM_001127180.2); c.362C>T, p.Pro121Leu (NM_001369365.1); c.395C>T (NM_000260.3); short protein forms P121L, P132L.
Identifiers: ClinVar variation 1067656 (VCV001067656.11), dbSNP rs370395532, ClinGen allele CA381931479.

ClinVar aggregate classification (germline): Conflicting classifications of pathogenicity. Review status: criteria provided, conflicting classifications (1 of 4 stars). 3 submissions from 3 submitters: Pathogenic (1); Uncertain significance (1). 1 of the submissions does not count toward it. Last evaluated 2025-05-13.

Conditions:
MYO7A-related disorder. Also called: MYO7A-related disorders.
Autosomal dominant nonsyndromic hearing loss 11. Identifiers: Orphanet 90635, MedGen C1832475, MONDO:0011032, OMIM 601317.

Submissions (3):

Human Genetics Bochum, Ruhr University Bochum
Classification: Uncertain significance for Autosomal dominant nonsyndromic hearing loss 11. Last evaluated: 2025-05-13. Review status: criteria provided, single submitter. Criteria: ACMG Guidelines, 2015. Collection method: clinical testing. Allele origin: germline. Affected: yes.
Comment: ACMG criteria used to clasify this variant: PP3_STR, PM2_SUP

Labcorp Genetics (formerly Invitae), Labcorp
Classification: Pathogenic. Last evaluated: 2023-11-27. Review status: criteria provided, single submitter. Criteria: Invitae Variant Classification Sherloc (09022015). Collection method: clinical testing. Allele origin: germline.
Comment: This sequence change replaces proline, which is neutral and non-polar, with leucine, which is neutral and non-polar, at codon 132 of the MYO7A protein (p.Pro132Leu). This variant is not present in population databases (gnomAD no frequency). This missense change has been observed in individual(s) with autosomal recessive Usher syndrome (PMID: 17361009, 25558175, 33576163). In at least one individual the data is consistent with being in trans (on the opposite chromosome) from a pathogenic variant. It has also been observed to segregate with disease in related individuals. ClinVar contains an entry for this variant (Variation ID: 1067656). Advanced modeling of protein sequence and biophysical properties (such as structural, functional, and spatial information, amino acid conservation, physicochemical variation, residue mobility, and thermodynamic stability) performed at Invitae indicates that this missense variant is expected to disrupt MYO7A protein function with a positive predictive value of 80%. For these reasons, this variant has been classified as Pathogenic.

PreventionGenetics, part of Exact Sciences
Classification: Likely pathogenic for MYO7A-related condition. Last evaluated: 2024-08-26. Review status: no assertion criteria provided. Collection method: clinical testing. Allele origin: germline. Not counted in ClinVar's aggregate classification.
Comment: The MYO7A c.395C>T variant is predicted to result in the amino acid substitution p.Pro132Leu. This variant was reported in the homozygous and compound heterozygous states in at least two individuals with Usher syndrome (Jaijo et al. 2007. PubMed ID: 17361009; Sodi et al. 2014. PubMed ID: 25558175; Galbis-Martínez et al. 2021. PubMed ID: 33576163). This variant has not been reported in a large population database, indicating this variant is rare. This variant is interpreted as likely pathogenic.

Literature cited by the submitters: PubMed 17361009 (cited by Labcorp Genetics (formerly Invitae), Labcorp); PubMed 25558175 (cited by Labcorp Genetics (formerly Invitae), Labcorp); PubMed 33576163 (cited by Labcorp Genetics (formerly Invitae), Labcorp).